The following is an entry in ClinVar:

ClinVar aggregate classification (germline): Conflicting classifications of pathogenicity. Review status: criteria provided, conflicting classifications (1 of 4 stars). 4 submissions from 4 submitters: Uncertain significance (3); Benign (1). Last evaluated 2026-04-23.

Conditions:
Chuvash polycythemia. Also called: POLYCYTHEMIA, VHL-DEPENDENT. Identifiers: Orphanet 238557, MedGen C1837915, MONDO:0009892, OMIM 263400.
Von Hippel-Lindau syndrome (VHLS). Also called: von Hippel–Lindau syndrome; VHL syndrome; Von Hippel-Lindau. Identifiers: Orphanet 892, MedGen C0019562, MONDO:0008667, OMIM 193300. Disease mechanism: loss of function.
Hereditary cancer-predisposing syndrome. Also called: Hereditary Cancer Syndrome; Tumor predisposition; Hereditary neoplastic syndrome; Neoplastic Syndromes, Hereditary. Identifiers: Orphanet 140162, MedGen C0027672, MeSH D009386, MONDO:0015356.

Allele frequency attached by ClinVar (database versions not stated): gnomAD exomes below 0.00001 and 0.00001; ExAC 0.00001.
gnomAD v4.1: 11 of 1,614,206 alleles (0.00068%); highest among the groups gnomAD compares: Non-Finnish European, 0.00093%; no homozygotes.

Submissions (4):

Ambry Genetics
Classification: Benign for Hereditary cancer-predisposing syndrome. Last evaluated: 2026-04-23. Review status: criteria provided, single submitter. Criteria: Ambry Variant Classification Scheme 2023. Collection method: clinical testing. Allele origin: germline.

Labcorp Genetics (formerly Invitae), Labcorp
Classification: Uncertain significance for Von Hippel-Lindau syndrome; Chuvash polycythemia. Last evaluated: 2025-09-13. Review status: criteria provided, single submitter. Criteria: Invitae Variant Classification Sherloc (09022015). Collection method: clinical testing. Allele origin: germline.
Comment: This sequence change replaces aspartic acid, which is acidic and polar, with asparagine, which is neutral and polar, at codon 179 of the VHL protein (p.Asp179Asn). This variant is present in population databases (rs767780451, gnomAD 0.0009%). This missense change has been observed in individual(s) with cerebellar haemangioblastoma (PMID: 17264095). ClinVar contains an entry for this variant (Variation ID: 419861). Invitae Evidence Modeling of protein sequence and biophysical properties (such as structural, functional, and spatial information, amino acid conservation, physicochemical variation, residue mobility, and thermodynamic stability) indicates that this missense variant is expected to disrupt VHL protein function with a positive predictive value of 95%. In summary, the available evidence is currently insufficient to determine the role of this variant in disease. Therefore, it has been classified as a Variant of Uncertain Significance.

Color Diagnostics, LLC DBA Color Health
Classification: Uncertain significance for Von Hippel-Lindau syndrome. Last evaluated: 2025-08-20. Review status: criteria provided, single submitter. Criteria: ACMG Guidelines, 2015. Collection method: clinical testing. Allele origin: germline.
Comment: This missense variant replaces aspartic acid with asparagine at codon 179 of the VHL protein. Computational prediction is inconclusive regarding the impact of this variant on protein structure and function. To our knowledge, functional studies have not been reported for this variant. This variant has been reported in an individual affected with cerebellar haemangioblastoma and in a first-degree relative not affected with VHL disease (PMID: 17264095). This variant has been identified in 11/1614206 chromosomes in the general population by the Genome Aggregation Database (gnomAD v4.1.0). The available evidence is insufficient to determine the role of this variant in disease conclusively. Therefore, this variant is classified as a Variant of Uncertain Significance.

GeneDx
Classification: Uncertain significance. Last evaluated: 2019-12-24. Review status: criteria provided, single submitter. Criteria: GeneDx Variant Classification Process June 2021. Collection method: clinical testing. Allele origin: germline. Affected: yes.
Comment: Not observed at a significant frequency in large population cohorts (Lek 2016); In silico analysis, which includes protein predictors and evolutionary conservation, supports a deleterious effect; This variant is associated with the following publications: (PMID: 14965365, 17264095, 18195360, 27424104, 21575214, 27568332, 20151405)

Literature cited by the submitters: PubMed 17264095 (cited by 3 submitters); PubMed 38969834 (cited by Ambry Genetics).

NM_000551.4(VHL):c.535G>A (p.Asp179Asn)

Genes: VHL (von Hippel-Lindau tumor suppressor; plus strand), LOC107303340 (3p25 von Hippel-Lindau tumor suppressor, E3 ubiquitin protein ligase Alu-mediated recombination region; plus strand). Cytogenetic location: 3p25.3.
Variant type: single nucleotide variant.
Coding change: c.535G>A on transcript NM_000551.4 (MANE Select); coding-DNA position 535, G replaced by A.
Protein change: p.Asp179Asn; replaces aspartic acid 179 with asparagine.
Molecular consequence: missense variant. On other transcripts: 3 prime UTR variant (1).
Genome position (GRCh38, 1-based): chr3:10,149,858, G>A. VCF-style: chr3-10149858-G-A. GRCh37 (hg19) VCF-style: chr3-10191542-G-A.
Other names: c.*89G>A (NM_001354723.2); c.412G>A, p.Asp138Asn (NM_198156.3); short protein forms D179N, D138N.
Identifiers: ClinVar variation 419861 (VCV000419861.18), dbSNP rs767780451, ClinGen allele CA041455.